The following is an entry in ClinVar:

NM_052989.3(IFT122):c.3359G>A (p.Arg1120Gln)

Gene: IFT122 (intraflagellar transport 122; plus strand). Cytogenetic location: 3q22.1.
Variant type: single nucleotide variant.
Coding change: c.3359G>A on transcript NM_052989.3 (MANE Select); coding-DNA position 3359, G replaced by A.
Protein change: p.Arg1120Gln; replaces arginine 1120 with glutamine.
Molecular consequence: missense variant.
Genome position (GRCh38, 1-based): chr3:129,517,562, G>A. VCF-style: chr3-129517562-G-A. GRCh37 (hg19) VCF-style: chr3-129236405-G-A.
Other names: c.3512G>A (NM_052985.2); c.3338G>A, p.Arg1113Gln (NM_001280541.2); c.2909G>A, p.Arg970Gln (NM_001280545.2); c.2732G>A, p.Arg911Gln (NM_001280546.2); c.3362G>A, p.Arg1121Gln (NM_001410808.1); c.3305G>A, p.Arg1102Gln (NM_001410809.1); c.3185G>A, p.Arg1062Gln (NM_001410810.1); c.3131G>A, p.Arg1044Gln (NM_001410811.1); and 6 more; short protein forms R1044Q, R1062Q, R1113Q, R911Q, R970Q, R1120Q, R1010Q, R1171Q.
Identifiers: ClinVar variation 2200025 (VCV002200025.5), dbSNP rs746890917, ClinGen allele CA2606887.
Genomic context (GRCh38, chr3:129,517,562, plus strand): 5'-AAGGGATCACTGATGAAGAAGCCATCTCCCTCATCGACCTGGAGGTGCTGAGACCCAAGC[G>A]GGATGACAGACAGCTAGAGATTGCAAACAACAGTATCCATGCCCTTGGCCAGAGCCTGTG-3'
Protein context (NP_443715.1, residues 1110-1130): LIDLEVLRPK[Arg1120Gln]DDRQLEIANN

ClinVar aggregate classification (germline): Conflicting classifications of pathogenicity. Review status: criteria provided, conflicting classifications (1 of 4 stars). 2 submissions from 2 submitters: Uncertain significance (1); Likely benign (1). Last evaluated 2025-11-05.

Conditions:
Inborn genetic diseases. Identifiers: MedGen C0950123, MeSH D030342.
Cranioectodermal dysplasia 1 (CED1). Also called: LEVIN SYNDROME I. Identifiers: Orphanet 1515, MedGen C0432235, MONDO:0021093, OMIM 218330.

Allele frequency attached by ClinVar (database versions not stated): gnomAD 0.00001; ExAC 0.00002; gnomAD exomes 0.00003; TOPMed 0.00003.

Submissions (2):

Ambry Genetics
Classification: Likely benign for Inborn genetic diseases. Last evaluated: 2025-11-05. Review status: criteria provided, single submitter. Criteria: Ambry Variant Classification Scheme 2023. Collection method: clinical testing. Allele origin: germline.

Labcorp Genetics (formerly Invitae), Labcorp
Classification: Uncertain significance for Cranioectodermal dysplasia 1. Last evaluated: 2022-02-27. Review status: criteria provided, single submitter. Criteria: Invitae Variant Classification Sherloc (09022015). Collection method: clinical testing. Allele origin: germline.
Comment: In summary, the available evidence is currently insufficient to determine the role of this variant in disease. Therefore, it has been classified as a Variant of Uncertain Significance. Algorithms developed to predict the effect of missense changes on protein structure and function output the following: SIFT: "Tolerated"; PolyPhen-2: "Benign"; Align-GVGD: "Class C0". The glutamine amino acid residue is found in multiple mammalian species, which suggests that this missense change does not adversely affect protein function. This variant has not been reported in the literature in individuals affected with IFT122-related conditions. This variant is present in population databases (rs746890917, gnomAD 0.003%). This sequence change replaces arginine, which is basic and polar, with glutamine, which is neutral and polar, at codon 1171 of the IFT122 protein (p.Arg1171Gln).